The following is an entry in ClinVar:

ClinVar aggregate classification (germline): Uncertain significance (1 of 4 stars; one submission).

Submission:

Labcorp Genetics (formerly Invitae), Labcorp
Classification: Uncertain significance. Last evaluated: 2021-12-17. Review status: criteria provided, single submitter. Criteria: Invitae Variant Classification Sherloc (09022015). Collection method: clinical testing. Allele origin: germline.
Comment: In summary, the available evidence is currently insufficient to determine the role of this variant in disease. Therefore, it has been classified as a Variant of Uncertain Significance. Algorithms developed to predict the effect of missense changes on protein structure and function output the following: SIFT: "Deleterious"; PolyPhen-2: "Not Available"; Align-GVGD: "Class C0". The alanine amino acid residue is found in multiple mammalian species, which suggests that this missense change does not adversely affect protein function. This variant has not been reported in the literature in individuals affected with PDZD7-related conditions. This variant is not present in population databases (gnomAD no frequency). This sequence change replaces valine, which is neutral and non-polar, with alanine, which is neutral and non-polar, at codon 7 of the PDZD7 protein (p.Val7Ala).

NM_001195263.2(PDZD7):c.20T>C (p.Val7Ala)

Gene: PDZD7 (PDZ domain containing 7; minus strand). Cytogenetic location: 10q24.31.
Variant type: single nucleotide variant.
Coding change: c.20T>C on transcript NM_001195263.2 (MANE Select); coding-DNA position 20, T replaced by C.
Protein change: p.Val7Ala; replaces valine 7 with alanine.
Molecular consequence: missense variant.
Genome position (GRCh38, 1-based): chr10:101,030,200, A>G on the plus strand (T>C on the coding strand, the complement: PDZD7 is on the minus strand). VCF-style: chr10-101030200-A-G. GRCh37 (hg19) VCF-style: chr10-102789957-A-G.
Other names: c.20T>C, p.Val7Ala (NM_001351044.2, NM_024895.5); short protein forms V7A.
Identifiers: ClinVar variation 2044963 (VCV002044963.4), dbSNP rs2493058684, ClinGen allele CA378231540.